The following is an entry in ClinVar:

NM_001204.7(BMPR2):c.2399A>G (p.His800Arg)

Gene: BMPR2 (bone morphogenetic protein receptor type 2; plus strand). Cytogenetic location: 2q33.2.
Variant type: single nucleotide variant.
Coding change: c.2399A>G on transcript NM_001204.7 (MANE Select); coding-DNA position 2399, A replaced by G.
Protein change: p.His800Arg; replaces histidine 800 with arginine.
Molecular consequence: missense variant.
Genome position (GRCh38, 1-based): chr2:202,556,064, A>G. VCF-style: chr2-202556064-A-G. GRCh37 (hg19) VCF-style: chr2-203420787-A-G.
Other names: short protein forms H800R.
Identifiers: ClinVar variation 4597764 (VCV004597764.1).

ClinVar aggregate classification (germline): Uncertain significance (1 of 4 stars; one submission).

Conditions:
Inborn genetic diseases. Identifiers: MedGen C0950123, MeSH D030342.

Submission:

Ambry Genetics
Classification: Uncertain significance for Inborn genetic diseases. Last evaluated: 2025-11-16. Review status: criteria provided, single submitter. Criteria: Ambry Variant Classification Scheme 2023. Collection method: clinical testing. Allele origin: germline.
Comment: The p.H800R variant (also known as c.2399A>G), located in coding exon 12 of the BMPR2 gene, results from an A to G substitution at nucleotide position 2399. The histidine at codon 800 is replaced by arginine, an amino acid with highly similar properties. This amino acid position is conserved. In addition, the in silico prediction for this alteration is inconclusive. Based on the available evidence, the clinical significance of this variant remains unclear.